The following is an entry in ClinVar:

NM_001042492.3(NF1):c.7448C>T (p.Pro2483Leu)

Gene: NF1 (neurofibromin 1; plus strand). Cytogenetic location: 17q11.2.
Variant type: single nucleotide variant.
Coding change: c.7448C>T on transcript NM_001042492.3 (MANE Select); coding-DNA position 7448, C replaced by T.
Protein change: p.Pro2483Leu; replaces proline 2483 with leucine.
Molecular consequence: missense variant.
Genome position (GRCh38, 1-based): chr17:31,350,309, C>T. VCF-style: chr17-31350309-C-T. GRCh37 (hg19) VCF-style: chr17-29677327-C-T.
Other names: c.7385C>T, p.Pro2462Leu (NM_000267.4); short protein forms P2483L, P2462L.
Identifiers: ClinVar variation 1469677 (VCV001469677.6), dbSNP rs2070108464, ClinGen allele CA399017212.
Genomic context (GRCh38, chr17:31,350,309, plus strand): 5'-TTACTGATATTTCAATGGAAAATGTTCCTATGGATACATATCCCATTCATCATGGTGACC[C>T]TTCCTATAGGTAAGTGGATTTACTCTCCTATAATTACATAATCATAATCAAGTTTCAATT-3'
Protein context (NP_001035957.1, residues 2473-2493): MDTYPIHHGD[Pro2483Leu]SYRTLKETQP

ClinVar aggregate classification (germline): Uncertain significance (1 of 4 stars; one submission).

Conditions:
Neurofibromatosis, type 1 (NF1). Also called: NEUROFIBROMATOSIS, TYPE I, SOMATIC; VON RECKLINGHAUSEN DISEASE; Peripheral type neurofibromatosis; Neurofibromatosis, type I. Identifiers: Orphanet 636, MedGen C0027831, MONDO:0018975, OMIM 162200. Disease mechanism: loss of function.

Submission:

Labcorp Genetics (formerly Invitae), Labcorp
Classification: Uncertain significance for Neurofibromatosis, type 1. Last evaluated: 2025-08-07. Review status: criteria provided, single submitter. Criteria: Invitae Variant Classification Sherloc (09022015). Collection method: clinical testing. Allele origin: germline.
Comment: This sequence change replaces proline, which is neutral and non-polar, with leucine, which is neutral and non-polar, at codon 2462 of the NF1 protein (p.Pro2462Leu). This variant is not present in population databases (gnomAD no frequency). This variant has not been reported in the literature in individuals affected with NF1-related conditions. ClinVar contains an entry for this variant (Variation ID: 1469677). Invitae Evidence Modeling of protein sequence and biophysical properties (such as structural, functional, and spatial information, amino acid conservation, physicochemical variation, residue mobility, and thermodynamic stability) indicates that this missense variant is not expected to disrupt NF1 protein function with a negative predictive value of 95%. In summary, the available evidence is currently insufficient to determine the role of this variant in disease. Therefore, it has been classified as a Variant of Uncertain Significance.